The following is an entry in ClinVar:

ClinVar aggregate classification (germline): Uncertain significance (1 of 4 stars; one submission).

Conditions:
Hereditary breast ovarian cancer syndrome. Also called: Hereditary breast and ovarian cancer syndrome; Hereditary breast and ovarian cancer syndrome (HBOC); BRCA1- and BRCA2-Associated Hereditary Breast and Ovarian Cancer; Hereditary breast and ovarian cancer; Breast and ovarian cancer; Hereditary breast and/or ovarian cancer syndrome. Identifiers: Orphanet 145, MedGen C0677776, MeSH D061325, MONDO:0003582. Disease mechanism: loss of function.

Submission:

Labcorp Genetics (formerly Invitae), Labcorp
Classification: Uncertain significance for Hereditary breast ovarian cancer syndrome. Last evaluated: 2024-08-24. Review status: criteria provided, single submitter. Criteria: Invitae Variant Classification Sherloc (09022015). Collection method: clinical testing. Allele origin: germline.
Comment: This sequence change replaces isoleucine, which is neutral and non-polar, with threonine, which is neutral and polar, at codon 3008 of the BRCA2 protein (p.Ile3008Thr). This variant is not present in population databases (gnomAD no frequency). This variant has not been reported in the literature in individuals affected with BRCA2-related conditions. Invitae Evidence Modeling of protein sequence and biophysical properties (such as structural, functional, and spatial information, amino acid conservation, physicochemical variation, residue mobility, and thermodynamic stability) indicates that this missense variant is not expected to disrupt BRCA2 protein function with a negative predictive value of 95%. In summary, the available evidence is currently insufficient to determine the role of this variant in disease. Therefore, it has been classified as a Variant of Uncertain Significance.

NM_000059.4(BRCA2):c.9023T>C (p.Ile3008Thr)

Gene: BRCA2 (BRCA2 DNA repair associated; plus strand). Cytogenetic location: 13q13.1.
Variant type: single nucleotide variant.
Coding change: c.9023T>C on transcript NM_000059.4 (MANE Select); coding-DNA position 9023, T replaced by C.
Protein change: p.Ile3008Thr; replaces isoleucine 3008 with threonine.
Molecular consequence: missense variant. On other transcripts: non-coding transcript variant (1).
Genome position (GRCh38, 1-based): chr13:32,379,819, T>C. VCF-style: chr13-32379819-T-C. GRCh37 (hg19) VCF-style: chr13-32953956-T-C.
Other names: c.8927T>C, p.Ile2976Thr (NM_001406719.1); c.8972T>C, p.Ile2991Thr (NM_001406720.1); c.4091T>C, p.Ile1364Thr (NM_001406721.1); c.2606T>C, p.Ile869Thr (NM_001406722.1); c.9023T>C, p.Ile3008Thr (NM_001432077.1); short protein forms I2976T, I3008T, I869T, I1364T, I2991T.
Identifiers: ClinVar variation 3636552 (VCV003636552.2).